The following is an entry in ClinVar:

NM_199420.4(POLQ):c.5968A>C (p.Lys1990Gln)

Gene: POLQ (DNA polymerase theta; minus strand). Cytogenetic location: 3q13.33.
Variant type: single nucleotide variant.
Coding change: c.5968A>C on transcript NM_199420.4 (MANE Select); coding-DNA position 5968, A replaced by C.
Protein change: p.Lys1990Gln; replaces lysine 1990 with glutamine.
Molecular consequence: missense variant.
Genome position (GRCh38, 1-based): chr3:121,483,388, T>G on the plus strand (A>C on the coding strand, the complement: POLQ is on the minus strand). VCF-style: chr3-121483388-T-G. GRCh37 (hg19) VCF-style: chr3-121202235-T-G.
Other names: short protein forms K1990Q.
Identifiers: ClinVar variation 1750760 (VCV001750760.2), dbSNP rs1436037001, ClinGen allele CA354088396.

ClinVar aggregate classification (germline): Uncertain significance (1 of 4 stars; one submission).

Allele frequency attached by ClinVar (database versions not stated): TOPMed below 0.00001; gnomAD 0.00001.
gnomAD v4.1: 1 of 1,533,490 alleles (0.000065%); highest among the groups gnomAD compares: Non-Finnish European, 0.000087%; no homozygotes.

Submission:

Ambry Genetics
Classification: Uncertain significance. Last evaluated: 2022-10-14. Review status: criteria provided, single submitter. Criteria: Ambry Variant Classification Scheme 2023. Collection method: clinical testing. Allele origin: germline.
Comment: The p.K1990Q variant (also known as c.5968A>C), located in coding exon 18 of the POLQ gene, results from an A to C substitution at nucleotide position 5968. The lysine at codon 1990 is replaced by glutamine, an amino acid with similar properties. This amino acid position is conserved. In addition, this alteration is predicted to be tolerated by in silico analysis. Since supporting evidence is limited at this time, the clinical significance of this alteration remains unclear.